The following is an entry in ClinVar:

NM_014612.5(FAM120A):c.1327G>A (p.Gly443Ser)

Gene: FAM120A (family with sequence similarity 120 member A; plus strand). Cytogenetic location: 9q22.31.
Variant type: single nucleotide variant.
Coding change: c.1327G>A on transcript NM_014612.5 (MANE Select); coding-DNA position 1327, G replaced by A.
Protein change: p.Gly443Ser; replaces glycine 443 with serine.
Molecular consequence: missense variant.
Genome position (GRCh38, 1-based): chr9:93,516,178, G>A. VCF-style: chr9-93516178-G-A. GRCh37 (hg19) VCF-style: chr9-96278460-G-A.
Other names: c.1324G>A, p.Gly442Ser (NM_001286722.2, NM_001439103.1, NM_001439106.1); c.1327G>A, p.Gly443Ser (NM_001286723.2, NM_001286724.2, NM_001439102.1 and 3 more transcripts); short protein forms G442S, G443S.
Identifiers: ClinVar variation 4795408 (VCV004795408.1).
Genomic context (GRCh38, chr9:93,516,178, plus strand): 5'-CACGAAGGGAAGCACACGCCGCTGTATGAGCGGTCCTCGCCCATCAACCCGGCCCAGAGC[G>A]GCAGCCCCAACCACGTGGATTCCGCCTACTTCCCTGGCTCTTCTACATCGTCATCTTCCG-3'
Protein context (NP_055427.2, residues 433-453): RSSPINPAQS[Gly443Ser]SPNHVDSAYF

ClinVar aggregate classification (germline): Likely benign (1 of 4 stars; one submission).

Submission:

GeneDx
Classification: Likely benign. Last evaluated: 2018-07-05. Review status: criteria provided, single submitter. Criteria: GeneDx Variant Classification Process June 2021. Collection method: clinical testing. Allele origin: germline. Affected: yes.
Comment: See Variant Classification Assertion Criteria.